The following is an entry in ClinVar:

NM_032119.4(ADGRV1):c.3044A>G (p.Gln1015Arg)

Gene: ADGRV1 (adhesion G protein-coupled receptor V1; plus strand). Cytogenetic location: 5q14.3.
Variant type: single nucleotide variant.
Coding change: c.3044A>G on transcript NM_032119.4 (MANE Select); coding-DNA position 3044, A replaced by G.
Protein change: p.Gln1015Arg; replaces glutamine 1015 with arginine.
Molecular consequence: missense variant. On other transcripts: non-coding transcript variant (1).
Genome position (GRCh38, 1-based): chr5:90,647,519, A>G. VCF-style: chr5-90647519-A-G. GRCh37 (hg19) VCF-style: chr5-89943336-A-G.
Other names: short protein forms Q1015R.
Identifiers: ClinVar variation 2002836 (VCV002002836.4), dbSNP rs773247388, ClinGen allele CA3339096.

ClinVar aggregate classification (germline): Uncertain significance (1 of 4 stars; one submission).

Allele frequency attached by ClinVar (database versions not stated): gnomAD exomes 0.00001; ExAC 0.00002.
gnomAD v4.1: 3 of 1,613,168 alleles (0.00019%); highest among the groups gnomAD compares: Non-Finnish European, 0.00017%; no homozygotes.

Submission:

Labcorp Genetics (formerly Invitae), Labcorp
Classification: Uncertain significance. Last evaluated: 2022-06-08. Review status: criteria provided, single submitter. Criteria: Invitae Variant Classification Sherloc (09022015). Collection method: clinical testing. Allele origin: germline.
Comment: In summary, the available evidence is currently insufficient to determine the role of this variant in disease. Therefore, it has been classified as a Variant of Uncertain Significance. Algorithms developed to predict the effect of missense changes on protein structure and function output the following: SIFT: "Tolerated"; PolyPhen-2: "Benign"; Align-GVGD: "Class C0". The arginine amino acid residue is found in multiple mammalian species, which suggests that this missense change does not adversely affect protein function. This variant has not been reported in the literature in individuals affected with ADGRV1-related conditions. This variant is present in population databases (rs773247388, gnomAD 0.0009%). This sequence change replaces glutamine, which is neutral and polar, with arginine, which is basic and polar, at codon 1015 of the ADGRV1 protein (p.Gln1015Arg).